The following is an entry in ClinVar:

NM_012258.4(HEY1):c.33G>C (p.Ser11=)

Gene: HEY1 (hes related family bHLH transcription factor with YRPW motif 1; minus strand). Cytogenetic location: 8q21.13.
Variant type: single nucleotide variant.
Coding change: c.33G>C on transcript NM_012258.4 (MANE Select); coding-DNA position 33, G replaced by C.
Protein change: p.Ser11=; no amino-acid change (serine 11 retained).
Molecular consequence: synonymous variant.
Genome position (GRCh38, 1-based): chr8:79,767,631, C>G on the plus strand (G>C on the coding strand, the complement: HEY1 is on the minus strand). VCF-style: chr8-79767631-C-G. GRCh37 (hg19) VCF-style: chr8-80679866-C-G.
Other names: c.33G>C, p.Ser11= (NM_001040708.2).
Identifiers: ClinVar variation 3040255 (VCV003040255.2), dbSNP rs749975418, ClinGen allele CA4789860.
Genomic context (GRCh38, chr8:79,767,631, plus strand): 5'-TCACCCATTCTCGTCCGCACTCTCCTTCTCCACCTCGATGGTCTCGTCCAGCTCGCTGTC[C>G]GAGGAGCTGTACTCGGGGTGAGCTCGCTTCATGCTGGCTCCCTGGGGGTTCCTGGGGAGG-3'
Protein context (NP_036390.3, residues 1-21): MKRAHPEYSS[Ser11=]DSELDETIEV

ClinVar aggregate classification (germline): Likely benign (0 of 4 stars; one submission).

Conditions:
HEY1-related disorder. Also called: HEY1-related condition.

Allele frequency attached by ClinVar (database versions not stated): gnomAD exomes 0.00003; ExAC 0.00012.
gnomAD v4.1: 45 of 1,609,678 alleles (0.0028%); highest among the groups gnomAD compares: Admixed American, 0.074%; no homozygotes.

Submission:

PreventionGenetics, part of Exact Sciences
Classification: Likely benign for HEY1-related condition. Last evaluated: 2019-09-23. Review status: no assertion criteria provided. Collection method: clinical testing. Allele origin: germline.
Comment: This variant is classified as likely benign based on ACMG/AMP sequence variant interpretation guidelines (Richards et al. 2015 PMID: 25741868, with internal and published modifications).